The following is an entry in ClinVar:

NM_007294.4(BRCA1):c.2331T>G (p.Tyr777Ter)

Gene: BRCA1 (BRCA1 DNA repair associated; minus strand). Cytogenetic location: 17q21.31.
Variant type: single nucleotide variant.
Coding change: c.2331T>G on transcript NM_007294.4 (MANE Select); coding-DNA position 2331, T replaced by G.
Protein change: p.Tyr777Ter; replaces tyrosine 777 with a stop codon.
Molecular consequence: nonsense. On other transcripts: intron variant (137).
Genome position (GRCh38, 1-based): chr17:43,093,200, A>C on the plus strand (T>G on the coding strand, the complement: BRCA1 is on the minus strand). VCF-style: chr17-43093200-A-C. GRCh37 (hg19) VCF-style: chr17-41245217-A-C.
Other names: 2450T>G; c.2118T>G, p.Tyr706Ter (NM_001407571.1, NM_001407853.1, NM_001407894.1 and 9 more transcripts); c.2331T>G, p.Tyr777Ter (NM_001407581.1, NM_001407582.1, NM_001407583.1 and 30 more transcripts); c.2328T>G, p.Tyr776Ter (NM_001407587.1, NM_001407590.1, NM_001407591.1 and 22 more transcripts); c.2322T>G, p.Tyr774Ter (NM_001407646.1, NM_001407647.1); c.2250T>G, p.Tyr750Ter (NM_001407660.1, NM_001407661.1, NM_001407662.1 and 1 more transcripts); c.2253T>G, p.Tyr751Ter (NM_001407663.1, NM_001407653.1, NM_001407654.1 and 4 more transcripts); c.2208T>G, p.Tyr736Ter (NM_001407664.1, NM_001407665.1, NM_001407666.1 and 19 more transcripts); and 42 more; short protein forms Y777*, Y730*, Y481*, Y649*, Y688*, Y689*, Y706*, Y707*.
Identifiers: ClinVar variation 266250 (VCV000266250.19), dbSNP rs80357444, ClinGen allele CA10589862.

ClinVar aggregate classification (germline): Pathogenic. Review status: reviewed by expert panel (3 of 4 stars). 9 submissions from 9 submitters: Pathogenic (1). 8 of the submissions do not count toward it. Last evaluated 2016-10-18.

Conditions:
Hereditary breast ovarian cancer syndrome. Also called: BRCA1- and BRCA2-Associated Hereditary Breast and Ovarian Cancer; Hereditary breast and ovarian cancer; Hereditary breast and ovarian cancer syndrome (HBOC); Breast and ovarian cancer; Hereditary breast and/or ovarian cancer syndrome; Hereditary breast and ovarian cancer syndrome. Identifiers: Orphanet 145, MedGen C0677776, MeSH D061325, MONDO:0003582. Disease mechanism: loss of function.
Breast-ovarian cancer, familial, susceptibility to, 1 (BROVCA1). Also called: OVARIAN CANCER, SUSCEPTIBILITY TO; BRCA1 Hereditary Breast and Ovarian Cancer. Identifiers: Orphanet 145, MedGen C2676676, MONDO:0011450, OMIM 604370. Disease mechanism: loss of function.
Hereditary cancer-predisposing syndrome. Also called: Hereditary Cancer Syndrome; Tumor predisposition; Hereditary neoplastic syndrome; Neoplastic Syndromes, Hereditary. Identifiers: Orphanet 140162, MedGen C0027672, MeSH D009386, MONDO:0015356.

Submissions (9):

Evidence-based Network for the Interpretation of Germline Mutant Alleles (ENIGMA)
Classification: Pathogenic for Breast-ovarian cancer, familial, susceptibility to, 1. Last evaluated: 2016-10-18. Review status: reviewed by expert panel. Criteria: ENIGMA BRCA1/2 Classification Criteria (2015). Collection method: curation. Allele origin: germline.
Comment: Variant allele predicted to encode a truncated non-functional protein.

Ambry Genetics
Classification: Pathogenic for Hereditary cancer-predisposing syndrome. Last evaluated: 2026-06-23. Review status: criteria provided, single submitter. Criteria: Ambry Variant Classification Scheme 2023. Collection method: clinical testing. Allele origin: germline. Not counted in ClinVar's aggregate classification.
Comment: The p.Y777* pathogenic mutation (also known as c.2331T>G), located in coding exon 9 of the BRCA1 gene, results from a T to G substitution at nucleotide position 2331. This changes the amino acid from a tyrosine to a stop codon within coding exon 9. This variant is considered to be rare based on population cohorts in the Genome Aggregation Database (gnomAD). This alteration is expected to result in loss of function by premature protein truncation or nonsense-mediated mRNA decay. As such, this alteration is interpreted as a disease-causing mutation.

Dasa
Classification: Pathogenic. Last evaluated: 2026-01-30. Review status: criteria provided, single submitter. Criteria: DASA Assertion Criteria. Collection method: clinical testing. Allele origin: germline. Not counted in ClinVar's aggregate classification.
Comment: NM_007294.4(BRCA1):c.2331T>G (p.Tyr777*) introduces a premature termination codon predicted to result in loss of normal protein function. Loss-of-function is an established mechanism of disease for this gene. The affected residue or protein region has prior evidence supporting clinical relevance. This variant has been reported in individuals with related phenotype (PMID: 33573335). The variant is present at low frequency in population datasets. Based on the available data, this variant is classified as pathogenic.

Color Diagnostics, LLC DBA Color Health
Classification: Pathogenic for Hereditary cancer-predisposing syndrome. Last evaluated: 2024-03-25. Review status: criteria provided, single submitter. Criteria: ACMG Guidelines, 2015. Collection method: clinical testing. Allele origin: germline. Not counted in ClinVar's aggregate classification.
Comment: This variant changes 1 nucleotide in exon 10 of the BRCA1 gene, creating a premature translation stop signal. This variant is expected to result in an absent or non-functional protein product. This variant has been reported in an individual affected with ovarian cancer (PMID: 36612041) and in suspected hereditary breast and ovarian cancer families (PMID: 29446198, 29907814). This variant has not been identified in the general population by the Genome Aggregation Database (gnomAD). Loss of BRCA1 function is a known mechanism of disease. Based on the available evidence, this variant is classified as Pathogenic.

Labcorp Genetics (formerly Invitae), Labcorp
Classification: Pathogenic for Hereditary breast ovarian cancer syndrome. Last evaluated: 2021-08-22. Review status: criteria provided, single submitter. Criteria: Invitae Variant Classification Sherloc (09022015). Collection method: clinical testing. Allele origin: germline. Not counted in ClinVar's aggregate classification.
Comment: This sequence change creates a premature translational stop signal (p.Tyr777*) in the BRCA1 gene. It is expected to result in an absent or disrupted protein product. Loss-of-function variants in BRCA1 are known to be pathogenic (PMID: 20104584). This variant is not present in population databases (ExAC no frequency). For these reasons, this variant has been classified as Pathogenic. Algorithms developed to predict the effect of sequence changes on RNA splicing suggest that this variant may create or strengthen a splice site. ClinVar contains an entry for this variant (Variation ID: 266250). This premature translational stop signal has been observed in individual(s) with clinical features of autosomal dominant hereditary breast and ovarian cancer (HBOC) syndrome (PMID: 29446198, 29907814).

Mendelics
Classification: Pathogenic for Breast-ovarian cancer, familial, susceptibility to, 1. Last evaluated: 2019-05-28. Review status: criteria provided, single submitter. Criteria: Mendelics Assertion Criteria 2017. Collection method: clinical testing. Allele origin: unknown. Not counted in ClinVar's aggregate classification.

GeneDx
Classification: Pathogenic. Last evaluated: 2017-02-21. Review status: criteria provided, single submitter. Criteria: GeneDx Variant Classification (06012015). Collection method: clinical testing. Allele origin: germline. Affected: yes. Not counted in ClinVar's aggregate classification.
Comment: This pathogenic variant is denoted BRCA1 c.2331T>G at the cDNA level and p.Tyr777Ter (Y777X) at the protein level. The substitution creates a nonsense variant, which changes a Tyrosine to a premature stop codon (TAT>TAG), and is predicted to cause loss of normal protein function through either protein truncation or nonsense-mediated mRNA decay. This variant has been reported in at least one patient with serous ovarian cancer (Li 2014). This variant is considered pathogenic.

Consortium of Investigators of Modifiers of BRCA1/2 (CIMBA), c/o University of Cambridge
Classification: Pathogenic for Breast-ovarian cancer, familial, susceptibility to, 1. Last evaluated: 2015-10-02. Review status: criteria provided, single submitter. Criteria: CIMBA Mutation Classification guidelines May 2016. Collection method: clinical testing. Allele origin: germline. Not counted in ClinVar's aggregate classification.

Genesis Genomics
Classification: Pathogenic for Breast-ovarian cancer, familial, susceptibility to, 1. Review status: criteria provided, single submitter. Criteria: ACMG Guidelines, 2015. Collection method: clinical testing. Allele origin: germline. Affected: no. Observed: 1 variant allele. Not counted in ClinVar's aggregate classification.

Literature cited by the submitters: PubMed 33573335 (cited by Dasa); PubMed 29446198 (cited by Color Diagnostics, LLC DBA Color Health and Labcorp Genetics (formerly Invitae), Labcorp); PubMed 29907814 (cited by Color Diagnostics, LLC DBA Color Health and Labcorp Genetics (formerly Invitae), Labcorp); PubMed 36612041 (cited by Color Diagnostics, LLC DBA Color Health); PubMed 20104584 (cited by Labcorp Genetics (formerly Invitae), Labcorp).